The following is an entry in ClinVar:

NM_020964.3(EPG5):c.595_607del (p.Ser199fs)

Gene: EPG5 (ectopic P-granules 5 autophagy tethering factor; minus strand). Cytogenetic location: 18q21.1.
Variant type: Deletion.
Coding change: c.595_607del on transcript NM_020964.3 (MANE Select); coding-DNA positions 595 to 607, 13 bases deleted (AGTTCTTGCCCAG).
Protein change: p.Ser199fs; shifts the reading frame from serine 199.
Molecular consequence: frameshift variant.
Genome position (GRCh38, 1-based): chr18:45,954,795-45,954,807, CTGGGCAAGAACT deleted on the plus strand (AGTTCTTGCCCAG on the coding strand, the reverse complement: EPG5 is on the minus strand); deleting any 13 consecutive bases within chr18:45,954,795-45,954,810 gives the same sequence; the c. name uses the placement nearest the transcript's 3' end. VCF-style (leftmost placement, unchanged base first): chr18-45954794-GCTGGGCAAGAACT-G. GRCh37 (hg19) VCF-style: chr18-43534760-GCTGGGCAAGAACT-G.
Other names: c.595_607del, p.Ser199fs (NM_001410858.1, NM_001410859.1); short protein forms S199fs.
Identifiers: ClinVar variation 3776067 (VCV003776067.1).

ClinVar aggregate classification (germline): Likely pathogenic (1 of 4 stars; one submission).

Conditions:
Vici syndrome (VICIS). Identifiers: Orphanet 1493, MedGen C1855772, MONDO:0009452, OMIM 242840.

Submission:

3billion
Classification: Likely pathogenic for Vici syndrome. Last evaluated: 2023-12-04. Review status: criteria provided, single submitter. Criteria: ACMG Guidelines, 2015. Collection method: clinical testing. Allele origin: germline. Affected: yes.
Comment: The variant is not observed in the gnomAD v2.1.1 dataset. Predicted Consequence/Location: Frameshift: predicted to result in a loss or disruption of normal protein function through nonsense-mediated decay (NMD) or protein truncation. Multiple pathogenic variants are reported downstream of the variant. Therefore, this variant is classified as Likely pathogenic according to the recommendation of ACMG/AMP guideline.